The following is an entry in ClinVar:

NM_000350.3(ABCA4):c.287del (p.Asn96fs)

Gene: ABCA4 (ATP binding cassette subfamily A member 4; minus strand). Cytogenetic location: 1p22.1.
Variant type: Deletion.
Coding change: c.287del on transcript NM_000350.3 (MANE Select); coding-DNA position 287, one base deleted (A; older notation c.287delA).
Protein change: p.Asn96fs; shifts the reading frame from asparagine 96.
Molecular consequence: frameshift variant.
Genome position (GRCh38, 1-based): chr1:94,111,453, T deleted on the plus strand (A on the coding strand, the reverse complement: ABCA4 is on the minus strand); the first of 3 consecutive T bases (chr1:94,111,453-94,111,455); deleting any one gives the same sequence. VCF-style (leftmost placement, unchanged base first): chr1-94111452-GT-G. GRCh37 (hg19) VCF-style: chr1-94577008-GT-G.
Other names: c.285delA, p.Asn96Thrfs (NM_001425324.1); short protein forms N96fs.
Identifiers: ClinVar variation 545516 (VCV000545516.9), dbSNP rs1553196583, ClinGen allele CA645372152.

ClinVar aggregate classification (germline): Pathogenic. Review status: criteria provided, multiple submitters, no conflicts (2 of 4 stars). 2 submissions from 2 submitters: Pathogenic (2). Last evaluated 2021-07-28.

Conditions:
Severe early-childhood-onset retinal dystrophy (STGD1). Also called: Stargardt macular dystrophy; Juvenile onset macular degeneration; Stargardt disease 1; STGD; MACULAR DYSTROPHY WITH FLECKS, TYPE 1. Identifiers: Orphanet 364055, Orphanet 827, MedGen C1855465, MeSH D000080362, MONDO:0009549, OMIM 248200.

Submissions (2):

Labcorp Genetics (formerly Invitae), Labcorp
Classification: Pathogenic. Last evaluated: 2021-07-28. Review status: criteria provided, single submitter. Criteria: Invitae Variant Classification Sherloc (09022015). Collection method: clinical testing. Allele origin: germline.
Comment: This sequence change creates a premature translational stop signal (p.Asn96Thrfs*19) in the ABCA4 gene. It is expected to result in an absent or disrupted protein product. Loss-of-function variants in ABCA4 are known to be pathogenic (PMID: 10958761, 24938718, 25312043, 26780318). ClinVar contains an entry for this variant (Variation ID: 545516). This premature translational stop signal has been observed in individual(s) with inherited retinal dystrophy (PMID: 23940504). This variant is not present in population databases (ExAC no frequency). For these reasons, this variant has been classified as Pathogenic.

Servicio Extremeño de Salud, Hospital de Mérida
Classification: Pathogenic for Severe early-childhood-onset retinal dystrophy. Last evaluated: 2018-03-05. Review status: criteria provided, single submitter. Criteria: ACMG Guidelines, 2015. Collection method: clinical testing. Allele origin: germline. Inheritance: Autosomal recessive inheritance. Affected: yes. Observed: 2 variant alleles, 2 compound heterozygotes. Clinical features observed: Macular dystrophy (HP:0007754).
Comment: Found in two patients from the same family with Stargardt disease. This mutation was in trans with two other known mutations causing Stargardt dissease, rs41292677 and rs281865377, that were in the same allele.

Literature cited by the submitters: PubMed 10958761 (cited by Labcorp Genetics (formerly Invitae), Labcorp); PubMed 24938718 (cited by Labcorp Genetics (formerly Invitae), Labcorp); PubMed 25312043 (cited by Labcorp Genetics (formerly Invitae), Labcorp); PubMed 26780318 (cited by Labcorp Genetics (formerly Invitae), Labcorp); PubMed 23940504 (cited by Labcorp Genetics (formerly Invitae), Labcorp).